The following is an entry in ClinVar:

ClinVar aggregate classification (germline): Likely benign (1 of 4 stars; one submission).

Submission:

Mayo Clinic Laboratories, Mayo Clinic
Classification: Likely benign. Last evaluated: 2025-09-03. Review status: criteria provided, single submitter. Criteria: ACMG Guidelines, 2015. Collection method: clinical testing. Allele origin: germline. Observed: 1 variant allele.
Comment: BP4, BP7, PM2_supporting

NM_000287.4(PEX6):c.2588+26del

Gene: PEX6 (peroxisomal biogenesis factor 6; minus strand). Cytogenetic location: 6p21.1.
Variant type: Deletion.
Coding change: c.2588+26del on transcript NM_000287.4 (MANE Select); 26 bases into the intron after coding-DNA position 2588, one base deleted (C; older notation c.2588+26delC).
Molecular consequence: intron variant.
Genome position (GRCh38, 1-based): chr6:42,965,226, G deleted on the plus strand (C on the coding strand, the reverse complement: PEX6 is on the minus strand); the first of 2 consecutive G bases (chr6:42,965,226-42,965,227); deleting either gives the same sequence. VCF-style (leftmost placement, unchanged base first): chr6-42965225-TG-T. GRCh37 (hg19) VCF-style: chr6-42932963-TG-T.
Other names: p.?; c.2324+26del (NM_001316313.2).
Identifiers: ClinVar variation 4683185 (VCV004683185.1).